The following is an entry in ClinVar:

NM_001606.5(ABCA2):c.3042C>T (p.Asn1014=)

Gene: ABCA2 (ATP binding cassette subfamily A member 2; minus strand). Cytogenetic location: 9q34.3.
Variant type: single nucleotide variant.
Coding change: c.3042C>T on transcript NM_001606.5 (MANE Select); coding-DNA position 3042, C replaced by T.
Protein change: p.Asn1014=; no amino-acid change (asparagine 1014 retained).
Molecular consequence: synonymous variant.
Genome position (GRCh38, 1-based): chr9:137,016,353, G>A on the plus strand (C>T on the coding strand, the complement: ABCA2 is on the minus strand). VCF-style: chr9-137016353-G-A. GRCh37 (hg19) VCF-style: chr9-139910805-G-A.
Other names: c.3132C>T, p.Asn1044= (NM_212533.3); c.3039C>T, p.Asn1013= (NM_001411042.1).
Identifiers: ClinVar variation 4533791 (VCV004533791.6).

ClinVar aggregate classification (germline): Likely benign (1 of 4 stars; one submission).

Submission:

CeGaT Center for Human Genetics Tuebingen
Classification: Likely benign. Last evaluated: 2025-10-01. Review status: criteria provided, single submitter. Criteria: CeGaT Center For Human Genetics Tuebingen Variant Classification Criteria Version 2. Collection method: clinical testing. Allele origin: germline. Affected: yes. Observed: 1 variant allele.
Comment: ABCA2: BP4, BP7